The following is an entry in ClinVar:

NM_000702.4(ATP1A2):c.892G>C (p.Val298Leu)

Gene: ATP1A2 (ATPase Na+/K+ transporting subunit alpha 2; plus strand). Cytogenetic location: 1q23.2.
Variant type: single nucleotide variant.
Coding change: c.892G>C on transcript NM_000702.4 (MANE Select); coding-DNA position 892, G replaced by C.
Protein change: p.Val298Leu; replaces valine 298 with leucine.
Molecular consequence: missense variant.
Genome position (GRCh38, 1-based): chr1:160,127,695, G>C. VCF-style: chr1-160127695-G-C. GRCh37 (hg19) VCF-style: chr1-160097485-G-C.
Other names: short protein forms V298L.
Identifiers: ClinVar variation 529754 (VCV000529754.10), dbSNP rs757867108, ClinGen allele CA1194305.
Genomic context (GRCh38, chr1:160,127,695, plus strand): 5'-GGGCGGACACCCATAGCAATGGAGATTGAACACTTCATCCAGCTGATCACAGGGGTCGCT[G>C]TATTCCTGGGGGTCTCCTTCTTCGTGCTCTCCCTCATCCTGGGCTACAGCTGGCTGGAGG-3'
Protein context (NP_000693.1, residues 288-308): HFIQLITGVA[Val298Leu]FLGVSFFVLS

ClinVar aggregate classification (germline): Uncertain significance. Review status: criteria provided, multiple submitters, no conflicts (2 of 4 stars). 2 submissions from 2 submitters: Uncertain significance (2). Last evaluated 2026-02-03.

Conditions:
Familial hemiplegic migraine. Identifiers: MedGen C0338484, MONDO:0000700.
Inborn genetic diseases. Identifiers: MedGen C0950123, MeSH D030342.

Allele frequency attached by ClinVar (database versions not stated): gnomAD exomes 0.00001 and 0.00002; ExAC 0.00002; gnomAD 0.00002; TOPMed 0.00002.
gnomAD v4.1: 38 of 1,614,138 alleles (0.0024%); highest among the groups gnomAD compares: Non-Finnish European, 0.0031%; no homozygotes.

Submissions (2):

Labcorp Genetics (formerly Invitae), Labcorp
Classification: Uncertain significance for Familial hemiplegic migraine. Last evaluated: 2026-02-03. Review status: criteria provided, single submitter. Criteria: Invitae Variant Classification Sherloc (09022015). Collection method: clinical testing. Allele origin: germline.
Comment: This sequence change replaces valine, which is neutral and non-polar, with leucine, which is neutral and non-polar, at codon 298 of the ATP1A2 protein (p.Val298Leu). This variant is present in population databases (rs757867108, gnomAD 0.003%). This missense change has been observed in individual(s) with clinical features of ATP1A2-related conditions (internal data). ClinVar contains an entry for this variant (Variation ID: 529754). Invitae Evidence Modeling of protein sequence and biophysical properties (such as structural, functional, and spatial information, amino acid conservation, physicochemical variation, residue mobility, and thermodynamic stability) indicates that this missense variant is not expected to disrupt ATP1A2 protein function with a negative predictive value of 80%. In summary, the available evidence is currently insufficient to determine the role of this variant in disease. Therefore, it has been classified as a Variant of Uncertain Significance.

Ambry Genetics
Classification: Uncertain significance for Inborn genetic diseases. Last evaluated: 2018-01-31. Review status: criteria provided, single submitter. Criteria: Ambry Variant Classification Scheme 2023. Collection method: clinical testing. Allele origin: germline.
Comment: The p.V298L variant (also known as c.892G>C), located in coding exon 8 of the ATP1A2 gene, results from a G to C substitution at nucleotide position 892. The valine at codon 298 is replaced by leucine, an amino acid with highly similar properties. This amino acid position is highly conserved in available vertebrate species. In addition, the in silico prediction for this alteration is inconclusive. Since supporting evidence is limited at this time, the clinical significance of this alteration remains unclear.